The following is an entry in ClinVar:

ClinVar aggregate classification (germline): Uncertain significance (1 of 4 stars; one submission).

gnomAD v4.1: 45 of 1,613,676 alleles (0.0028%); highest among the groups gnomAD compares: African/African-American, 0.0093%; no homozygotes.

Submission:

Labcorp Genetics (formerly Invitae), Labcorp
Classification: Uncertain significance. Last evaluated: 2022-08-19. Review status: criteria provided, single submitter. Criteria: Invitae Variant Classification Sherloc (09022015). Collection method: clinical testing. Allele origin: germline.
Comment: This sequence change replaces arginine, which is basic and polar, with glutamine, which is neutral and polar, at codon 666 of the ARHGEF18 protein (p.Arg666Gln). This variant is present in population databases (rs146371166, gnomAD 0.01%). This variant has not been reported in the literature in individuals affected with ARHGEF18-related conditions. Algorithms developed to predict the effect of missense changes on protein structure and function output the following: SIFT: "Deleterious"; PolyPhen-2: "Benign"; Align-GVGD: "Class C0". The glutamine amino acid residue is found in multiple mammalian species, which suggests that this missense change does not adversely affect protein function. In summary, the available evidence is currently insufficient to determine the role of this variant in disease. Therefore, it has been classified as a Variant of Uncertain Significance.

NM_001367823.1(ARHGEF18):c.2561G>A (p.Arg854Gln)

Gene: ARHGEF18 (Rho/Rac guanine nucleotide exchange factor 18; plus strand). Cytogenetic location: 19p13.2.
Variant type: single nucleotide variant.
Coding change: c.2561G>A on transcript NM_001367823.1 (MANE Select); coding-DNA position 2561, G replaced by A.
Protein change: p.Arg854Gln; replaces arginine 854 with glutamine.
Molecular consequence: missense variant.
Genome position (GRCh38, 1-based): chr19:7,462,260, G>A. VCF-style: chr19-7462260-G-A. GRCh37 (hg19) VCF-style: chr19-7527146-G-A.
Other names: c.1835G>A, p.Arg612Gln (NM_001130955.2); c.1523G>A, p.Arg508Gln (NM_001367824.1, NM_015318.4); short protein forms R508Q, R612Q, R854Q.
Identifiers: ClinVar variation 2067660 (VCV002067660.1), dbSNP rs146371166, ClinGen allele CA9136903.